The following is an entry in ClinVar:

ClinVar aggregate classification (germline): Uncertain significance (1 of 4 stars; one submission).

gnomAD v4.1: 1 of 1,612,614 alleles (0.000062%); highest among the groups gnomAD compares: African/African-American, 0.0013%; no homozygotes.

Submission:

Women's Health and Genetics/Laboratory Corporation of America, LabCorp
Classification: Uncertain significance. Last evaluated: 2021-06-14. Review status: criteria provided, single submitter. Criteria: LabCorp Variant Classification Summary - May 2015. Collection method: clinical testing. Allele origin: germline.
Comment: Variant summary: A2ML1 c.2463+13G>A alters a nucleotide located close to a canonical splice site and therefore could affect mRNA splicing, leading to a significantly altered protein sequence. 4/4 computational tools predict no significant impact on normal splicing. However, these predictions have yet to be confirmed by functional studies. The variant was absent in 249224 control chromosomes. The available data on variant occurrences in the general population are insufficient to allow any conclusion about variant significance. To our knowledge, no occurrence of c.2463+13G>A in individuals affected with Noonan Syndrome and no experimental evidence demonstrating its impact on protein function have been reported. No clinical diagnostic laboratories have submitted clinical-significance assessments for this variant to ClinVar after 2014. Based on the evidence outlined above, the variant was classified as uncertain significance.

NM_144670.6(A2ML1):c.2463+13G>A

Gene: A2ML1 (alpha-2-macroglobulin like 1; plus strand). Cytogenetic location: 12p13.31.
Variant type: single nucleotide variant.
Coding change: c.2463+13G>A on transcript NM_144670.6 (MANE Select); 13 bases into the intron after coding-DNA position 2463, G replaced by A.
Molecular consequence: intron variant.
Genome position (GRCh38, 1-based): chr12:8,852,025, G>A. VCF-style: chr12-8852025-G-A. GRCh37 (hg19) VCF-style: chr12-9004621-G-A.
Other names: c.990+13G>A (NM_001282424.3).
Identifiers: ClinVar variation 1172886 (VCV001172886.1), dbSNP rs151032368, ClinGen allele CA2499221909.